The following is an entry in ClinVar:

ClinVar aggregate classification (germline): Likely benign (1 of 4 stars; one submission).

Allele frequency attached by ClinVar (database versions not stated): gnomAD exomes 0.00030; gnomAD 0.00342 and 0.00361; TOPMed 0.00357; 1000 Genomes Project 30x 0.00437; 1000 Genomes Project 0.00439.
gnomAD v4.1: 910 of 1,383,888 alleles (0.066%); highest among the groups gnomAD compares: African/African-American, 1.2%; 6 homozygotes.

Submission:

GeneDx
Classification: Likely benign. Last evaluated: 2018-06-14. Review status: criteria provided, single submitter. Criteria: GeneDx Variant Classification (06012015). Collection method: clinical testing. Allele origin: germline. Affected: yes.
Comment: This variant is considered likely benign or benign based on one or more of the following criteria: it is a conservative change, it occurs at a poorly conserved position in the protein, it is predicted to be benign by multiple in silico algorithms, and/or has population frequency not consistent with disease.

NM_001042492.3(NF1):c.1063-122T>G

Gene: NF1 (neurofibromin 1; plus strand). Cytogenetic location: 17q11.2.
Variant type: single nucleotide variant.
Coding change: c.1063-122T>G on transcript NM_001042492.3 (MANE Select); 122 bases into the intron before coding-DNA position 1063, T replaced by G.
Molecular consequence: intron variant.
Genome position (GRCh38, 1-based): chr17:31,200,915, T>G. VCF-style: chr17-31200915-T-G. GRCh37 (hg19) VCF-style: chr17-29527933-T-G.
Other names: c.1063-122T>G (NM_000267.4, NM_001128147.3).
Identifiers: ClinVar variation 561515 (VCV000561515.1), dbSNP rs147289813, ClinGen allele CA289349001.
Genomic context (GRCh38, chr17:31,200,915, plus strand): 5'-TATATATGGTATAGGAAGAATTGTATCAGACTGATGAACCACAGTATGGGTGCTTTGTGC[T>G]TCTTCTGGCAGCTGGATTTTACTGCCATTTGTGTGGGTAATGTGTTGATGTTATTACATG-3'